The following is an entry in ClinVar:

ClinVar aggregate classification (germline): Uncertain significance. Review status: criteria provided, multiple submitters, no conflicts (2 of 4 stars). 4 submissions from 4 submitters: Uncertain significance (4). Last evaluated 2026-07-20.

Conditions:
BARD1-related disorder. Also called: BARD1-related condition.
Hereditary cancer-predisposing syndrome. Also called: Neoplastic Syndromes, Hereditary; Hereditary Cancer Syndrome; Tumor predisposition; Hereditary neoplastic syndrome. Identifiers: Orphanet 140162, MedGen C0027672, MeSH D009386, MONDO:0015356.
Familial cancer of breast. Also called: BREAST CANCER, FAMILIAL; Hereditary breast cancer; hereditary breast carcinoma. Identifiers: Orphanet 227535, MedGen C0346153, MONDO:0016419, OMIM 114480. Disease mechanism: loss of function.

Allele frequency attached by ClinVar (database versions not stated): TOPMed below 0.00001.

Submissions (4):

PreventionGenetics, part of Exact Sciences
Classification: Uncertain significance for BARD1-related condition. Last evaluated: 2026-07-20. Review status: criteria provided, single submitter. Criteria: ACMG Guidelines, 2015. Collection method: clinical testing. Allele origin: germline.
Comment: The BARD1 c.344T>C variant is predicted to result in the amino acid substitution p.Leu115Pro. This variant has been reported with uncertain significance in two separate cohort studies of individuals with male and female breast cancer (Supplementary Table 3, Rizzolo et al. 2019. PubMed ID: 30613976; Supplemental Data, Cohort 1 VUS, Tung et al. 2014. PubMed ID: 25186627). This variant has not been reported in a large population database (gnomAD), indicating this variant is rare. This variant is interpreted as uncertain in ClinVar (Variation ID: 485305). At this time, the clinical significance of this variant is uncertain due to the absence of conclusive functional and genetic evidence.

Labcorp Genetics (formerly Invitae), Labcorp
Classification: Uncertain significance for Familial cancer of breast. Last evaluated: 2025-06-05. Review status: criteria provided, single submitter. Criteria: Invitae Variant Classification Sherloc (09022015). Collection method: clinical testing. Allele origin: germline.
Comment: This sequence change replaces leucine, which is neutral and non-polar, with proline, which is neutral and non-polar, at codon 115 of the BARD1 protein (p.Leu115Pro). This variant is not present in population databases (gnomAD no frequency). This variant has not been reported in the literature in individuals affected with BARD1-related conditions. ClinVar contains an entry for this variant (Variation ID: 485305). An algorithm developed to predict the effect of missense changes on protein structure and function (PolyPhen-2) suggests that this variant is likely to be disruptive. In summary, the available evidence is currently insufficient to determine the role of this variant in disease. Therefore, it has been classified as a Variant of Uncertain Significance.

Ambry Genetics
Classification: Uncertain significance for Hereditary cancer-predisposing syndrome. Last evaluated: 2022-03-04. Review status: criteria provided, single submitter. Criteria: Ambry Variant Classification Scheme 2023. Collection method: clinical testing. Allele origin: germline.
Comment: The p.L115P variant (also known as c.344T>C), located in coding exon 3 of the BARD1 gene, results from a T to C substitution at nucleotide position 344. The leucine at codon 115 is replaced by proline, an amino acid with similar properties. This amino acid position is highly conserved in available vertebrate species. In addition, the in silico prediction for this alteration is inconclusive. Since supporting evidence is limited at this time, the clinical significance of this alteration remains unclear.

Color Diagnostics, LLC DBA Color Health
Classification: Uncertain significance for Hereditary cancer-predisposing syndrome. Last evaluated: 2019-06-23. Review status: criteria provided, single submitter. Criteria: ACMG Guidelines, 2015. Collection method: clinical testing. Allele origin: germline.

Literature cited by the submitters: PubMed 25186627 (cited by Ambry Genetics).

NM_000465.4(BARD1):c.344T>C (p.Leu115Pro)

Gene: BARD1 (BRCA1 associated RING domain 1; minus strand). Cytogenetic location: 2q35.
Variant type: single nucleotide variant.
Coding change: c.344T>C on transcript NM_000465.4 (MANE Select); coding-DNA position 344, T replaced by C.
Protein change: p.Leu115Pro; replaces leucine 115 with proline.
Molecular consequence: missense variant. On other transcripts: non-coding transcript variant (1), intron variant (2).
Genome position (GRCh38, 1-based): chr2:214,792,317, A>G on the plus strand (T>C on the coding strand, the complement: BARD1 is on the minus strand). VCF-style: chr2-214792317-A-G. GRCh37 (hg19) VCF-style: chr2-215657041-A-G.
Other names: c.287T>C, p.Leu96Pro (NM_001282543.2); c.344T>C, p.Leu115Pro (NM_001282549.2); c.158+17095T>C (NM_001282548.2); c.215+4744T>C (NM_001282545.2); short protein forms L115P, L96P.
Identifiers: ClinVar variation 485305 (VCV000485305.19), dbSNP rs1440316765, ClinGen allele CA350460804.